The following is an entry in ClinVar:

NM_005732.4(RAD50):c.2771A>T (p.Gln924Leu)

Gene: RAD50 (RAD50 double strand break repair protein; plus strand). Cytogenetic location: 5q31.1.
Variant type: single nucleotide variant.
Coding change: c.2771A>T on transcript NM_005732.4 (MANE Select); coding-DNA position 2771, A replaced by T.
Protein change: p.Gln924Leu; replaces glutamine 924 with leucine.
Molecular consequence: missense variant.
Genome position (GRCh38, 1-based): chr5:132,608,667, A>T. VCF-style: chr5-132608667-A-T. GRCh37 (hg19) VCF-style: chr5-131944359-A-T.
Other names: short protein forms Q924L.
Identifiers: ClinVar variation 578490 (VCV000578490.11), dbSNP rs1060501963, ClinGen allele CA360958886.

ClinVar aggregate classification (germline): Uncertain significance. Review status: criteria provided, multiple submitters, no conflicts (2 of 4 stars). 2 submissions from 2 submitters: Uncertain significance (2). Last evaluated 2021-05-11.

Conditions:
Hereditary cancer-predisposing syndrome. Also called: Neoplastic Syndromes, Hereditary; Tumor predisposition; Hereditary neoplastic syndrome; Hereditary Cancer Syndrome. Identifiers: Orphanet 140162, MedGen C0027672, MeSH D009386, MONDO:0015356.

Submissions (2):

Ambry Genetics
Classification: Uncertain significance for Hereditary cancer-predisposing syndrome. Last evaluated: 2021-05-11. Review status: criteria provided, single submitter. Criteria: Ambry Variant Classification Scheme 2023. Collection method: clinical testing. Allele origin: germline.
Comment: The p.Q924L variant (also known as c.2771A>T), located in coding exon 17 of the RAD50 gene, results from an A to T substitution at nucleotide position 2771. The glutamine at codon 924 is replaced by leucine, an amino acid with dissimilar properties. This amino acid position is highly conserved in available vertebrate species. In addition, the in silico prediction for this alteration is inconclusive. Since supporting evidence is limited at this time, the clinical significance of this alteration remains unclear.

Labcorp Genetics (formerly Invitae), Labcorp
Classification: Uncertain significance for Hereditary cancer-predisposing syndrome. Last evaluated: 2018-06-26. Review status: criteria provided, single submitter. Criteria: Invitae Variant Classification Sherloc (09022015). Collection method: clinical testing. Allele origin: germline.
Comment: This variant has not been reported in the literature in individuals with RAD50-related disease. This variant is not present in population databases (ExAC no frequency). This sequence change replaces glutamine with leucine at codon 924 of the RAD50 protein (p.Gln924Leu). The glutamine residue is moderately conserved and there is a moderate physicochemical difference between glutamine and leucine. Algorithms developed to predict the effect of missense changes on protein structure and function (SIFT, PolyPhen-2, Align-GVGD) all suggest that this variant is likely to be tolerated, but these predictions have not been confirmed by published functional studies and their clinical significance is uncertain. In summary, the available evidence is currently insufficient to determine the role of this variant in disease. Therefore, it has been classified as a Variant of Uncertain Significance.